The following is an entry in ClinVar:

NM_016239.4(MYO15A):c.6599C>T (p.Ser2200Leu)

Gene: MYO15A (myosin XVA; plus strand). Cytogenetic location: 17p11.2.
Variant type: single nucleotide variant.
Coding change: c.6599C>T on transcript NM_016239.4 (MANE Select); coding-DNA position 6599, C replaced by T.
Protein change: p.Ser2200Leu; replaces serine 2200 with leucine.
Molecular consequence: missense variant.
Genome position (GRCh38, 1-based): chr17:18,148,118, C>T. VCF-style: chr17-18148118-C-T. GRCh37 (hg19) VCF-style: chr17-18051432-C-T.
Other names: short protein forms S2200L.
Identifiers: ClinVar variation 4689584 (VCV004689584.1).

ClinVar aggregate classification (germline): Uncertain significance (1 of 4 stars; one submission).

gnomAD v4.1: 38 of 1,613,724 alleles (0.0024%); highest among the groups gnomAD compares: African/African-American, 0.0067%; no homozygotes.

Submission:

Women's Health and Genetics/Laboratory Corporation of America, LabCorp
Classification: Uncertain significance. Last evaluated: 2026-01-06. Review status: criteria provided, single submitter. Criteria: LabCorp Variant Classification Summary - May 2015. Collection method: clinical testing. Allele origin: germline.
Comment: Variant summary: MYO15A c.6599C>T (p.Ser2200Leu) results in a non-conservative amino acid change in the encoded protein sequence. Algorithms developed to predict the effect of missense changes on protein structure and function are either unavailable or do not agree on the potential impact of this missense change. The variant allele was found at a frequency of 4.4e-05 in 248962 control chromosomes. This frequency is not significantly higher than estimated for disease-causing variants in MYO15A, allowing no conclusion about variant significance. To our knowledge, no occurrence of c.6599C>T in individuals affected with MYO15A-related conditions and no experimental evidence demonstrating its impact on protein function have been reported. The following publication has been ascertained in the context of this evaluation (PMID: 29945994). No submitters have cited clinical-significance assessments for this variant to ClinVar. Based on the evidence outlined above, the variant was classified as uncertain significance.

Literature cited by the submitters: PubMed 29945994.